The following is an entry in ClinVar:

NM_001378609.3(OTOGL):c.5037A>G (p.Thr1679=)

Gene: OTOGL (otogelin like; plus strand). Cytogenetic location: 12q21.31.
Variant type: single nucleotide variant.
Coding change: c.5037A>G on transcript NM_001378609.3 (MANE Select); coding-DNA position 5037, A replaced by G.
Protein change: p.Thr1679=; no amino-acid change (threonine 1679 retained).
Molecular consequence: synonymous variant.
Genome position (GRCh38, 1-based): chr12:80,339,251, A>G. VCF-style: chr12-80339251-A-G. GRCh37 (hg19) VCF-style: chr12-80733031-A-G.
Other names: c.4902A>G, p.Thr1634= (NM_001368062.3); c.5037A>G, p.Thr1679= (NM_001378610.3, NM_173591.7).
Identifiers: ClinVar variation 3035528 (VCV003035528.2), dbSNP rs571090133, ClinGen allele CA6701576.

ClinVar aggregate classification (germline): Likely benign (0 of 4 stars; one submission).

Conditions:
OTOGL-related disorder. Also called: OTOGL-related condition.

Allele frequency attached by ClinVar (database versions not stated): gnomAD exomes 0.00002; ExAC 0.00009; TOPMed 0.00026; 1000 Genomes Project 30x 0.00031; 1000 Genomes Project 0.00040.
gnomAD v4.1: 67 of 1,605,884 alleles (0.0042%); highest among the groups gnomAD compares: African/African-American, 0.088%; no homozygotes.

Submission:

PreventionGenetics, part of Exact Sciences
Classification: Likely benign for OTOGL-related condition. Last evaluated: 2019-08-07. Review status: no assertion criteria provided. Collection method: clinical testing. Allele origin: germline.
Comment: This variant is classified as likely benign based on ACMG/AMP sequence variant interpretation guidelines (Richards et al. 2015 PMID: 25741868, with internal and published modifications).